The following is an entry in ClinVar:

NM_152564.5(VPS13B):c.3893A>T (p.Glu1298Val)

Gene: VPS13B (vacuolar protein sorting 13 homolog B; plus strand). Cytogenetic location: 8q22.2.
Variant type: single nucleotide variant.
Coding change: c.3893A>T on transcript NM_152564.5 (MANE Select); coding-DNA position 3893, A replaced by T.
Protein change: p.Glu1298Val; replaces glutamic acid 1298 with valine.
Molecular consequence: missense variant.
Genome position (GRCh38, 1-based): chr8:99,501,709, A>T. VCF-style: chr8-99501709-A-T. GRCh37 (hg19) VCF-style: chr8-100513937-A-T.
Other names: c.3893A>T, p.Glu1298Val (NM_017890.5); short protein forms E1298V.
Identifiers: ClinVar variation 3665505 (VCV003665505.3).

ClinVar aggregate classification (germline): Uncertain significance. Review status: criteria provided, single submitter (1 of 4 stars). 2 submissions from 2 submitters: Uncertain significance (1). 1 of the submissions does not count toward it. Last evaluated 2024-08-29.

Conditions:
Cohen syndrome (COH1). Also called: PEPPER SYNDROME; Cutis verticis gyrata, retinitis pigmentosa, and sensorineural deafness. Identifiers: Orphanet 193, MedGen C0265223, MONDO:0008999, OMIM 216550.

gnomAD v4.1: 1 of 1,614,046 alleles (0.000062%); highest among the groups gnomAD compares: African/African-American, 0.0013%; no homozygotes.

Submissions (2):

Labcorp Genetics (formerly Invitae), Labcorp
Classification: Uncertain significance for Cohen syndrome. Last evaluated: 2024-08-29. Review status: criteria provided, single submitter. Criteria: Invitae Variant Classification Sherloc (09022015). Collection method: clinical testing. Allele origin: germline.
Comment: This sequence change replaces glutamic acid, which is acidic and polar, with valine, which is neutral and non-polar, at codon 1298 of the VPS13B protein (p.Glu1298Val). This variant is present in population databases (no rsID available, gnomAD 0.007%). This variant has not been reported in the literature in individuals affected with VPS13B-related conditions. Invitae Evidence Modeling of protein sequence and biophysical properties (such as structural, functional, and spatial information, amino acid conservation, physicochemical variation, residue mobility, and thermodynamic stability) indicates that this missense variant is not expected to disrupt VPS13B protein function with a negative predictive value of 80%. In summary, the available evidence is currently insufficient to determine the role of this variant in disease. Therefore, it has been classified as a Variant of Uncertain Significance.

Natera, Inc.
Classification: Uncertain significance for Cohen syndrome. Last evaluated: 2025-05-27. Review status: no assertion criteria provided. Collection method: clinical testing. Allele origin: germline. Not counted in ClinVar's aggregate classification.